The following is an entry in ClinVar:

NM_031483.7(ITCH):c.1953-3C>A

Gene: ITCH (itchy E3 ubiquitin protein ligase; plus strand). Cytogenetic location: 20q11.22.
Variant type: single nucleotide variant.
Coding change: c.1953-3C>A on transcript NM_031483.7 (MANE Select); 3 bases into the intron before coding-DNA position 1953, C replaced by A.
Molecular consequence: intron variant.
Genome position (GRCh38, 1-based): chr20:34,481,063, C>A. VCF-style: chr20-34481063-C-A. GRCh37 (hg19) VCF-style: chr20-33068868-C-A.
Other names: c.2076-3C>A (NM_001324197.2, NM_001257137.3); c.1953-3C>A (NM_001324198.2); c.1623-3C>A (NM_001257138.3).
Identifiers: ClinVar variation 665933 (VCV000665933.7), dbSNP rs946679538, ClinGen allele CA313405187.

ClinVar aggregate classification (germline): Uncertain significance (1 of 4 stars; one submission).

Conditions:
Syndromic multisystem autoimmune disease due to ITCH deficiency. Also called: AUTOIMMUNE DISEASE, MULTISYSTEM, WITH FACIAL DYSMORPHISM. Identifiers: Orphanet 228426, MedGen C3150649, MONDO:0013245, OMIM 613385.

Allele frequency attached by ClinVar (database versions not stated): gnomAD exomes below 0.00001; TOPMed 0.00002; gnomAD 0.00003 and 0.00004.
gnomAD v4.1: 15 of 1,612,962 alleles (0.00093%); highest among the groups gnomAD compares: African/African-American, 0.0027%; no homozygotes.

Submission:

Labcorp Genetics (formerly Invitae), Labcorp
Classification: Uncertain significance for Syndromic multisystem autoimmune disease due to ITCH deficiency. Last evaluated: 2022-06-02. Review status: criteria provided, single submitter. Criteria: Invitae Variant Classification Sherloc (09022015). Collection method: clinical testing. Allele origin: germline.
Comment: In summary, the available evidence is currently insufficient to determine the role of this variant in disease. Therefore, it has been classified as a Variant of Uncertain Significance. Variants that disrupt the consensus splice site are a relatively common cause of aberrant splicing (PMID: 17576681, 9536098). Algorithms developed to predict the effect of sequence changes on RNA splicing suggest that this variant may create or strengthen a splice site. ClinVar contains an entry for this variant (Variation ID: 665933). This variant has not been reported in the literature in individuals affected with ITCH-related conditions. This variant is present in population databases (no rsID available, gnomAD 0.002%). This sequence change falls in intron 19 of the ITCH gene. It does not directly change the encoded amino acid sequence of the ITCH protein. It affects a nucleotide within the consensus splice site.

Literature cited by the submitters: PubMed 17576681; PubMed 9536098.